The following is an entry in ClinVar:

NM_002361.4(MAG):c.1270G>A (p.Ala424Thr)

Gene: MAG (myelin associated glycoprotein; plus strand). Cytogenetic location: 19q13.12.
Variant type: single nucleotide variant.
Coding change: c.1270G>A on transcript NM_002361.4 (MANE Select); coding-DNA position 1270, G replaced by A.
Protein change: p.Ala424Thr; replaces alanine 424 with threonine.
Molecular consequence: missense variant.
Genome position (GRCh38, 1-based): chr19:35,309,912, G>A. VCF-style: chr19-35309912-G-A. GRCh37 (hg19) VCF-style: chr19-35800815-G-A.
Other names: c.1195G>A, p.Ala399Thr (NM_001199216.2); c.1270G>A, p.Ala424Thr (NM_080600.3); short protein forms A424T, A399T.
Identifiers: ClinVar variation 1375853 (VCV001375853.8), dbSNP rs1434326122, ClinGen allele CA405315628.
Genomic context (GRCh38, chr19:35,309,912, plus strand): 5'-AGACCTGATTTTGCCCCTGCAGTCGCCCCTGTGCTCCTCCTGGAGTCCCACTGCGCGGCA[G>A]CCCGAGACACGGTGCAGTGCCTGTGCGTGGTGAAGTCCAACCCGGAGCCGTCCGTGGCCT-3'
Protein context (NP_002352.1, residues 414-434): VLLLESHCAA[Ala424Thr]RDTVQCLCVV

ClinVar aggregate classification (germline): Uncertain significance (1 of 4 stars; one submission).

Conditions:
Hereditary spastic paraplegia 75. Also called: Spastic paraplegia 75, autosomal recessive. Identifiers: Orphanet 459056, MedGen C4225250, MONDO:0014729, OMIM 616680.

Allele frequency attached by ClinVar (database versions not stated): gnomAD 0.00001; TOPMed 0.00001; gnomAD exomes 0.00002.
gnomAD v4.1: 28 of 1,613,396 alleles (0.0017%); highest among the groups gnomAD compares: Non-Finnish European, 0.0021%; no homozygotes.

Submission:

Labcorp Genetics (formerly Invitae), Labcorp
Classification: Uncertain significance for Hereditary spastic paraplegia 75. Last evaluated: 2022-06-04. Review status: criteria provided, single submitter. Criteria: Invitae Variant Classification Sherloc (09022015). Collection method: clinical testing. Allele origin: germline.
Comment: In summary, the available evidence is currently insufficient to determine the role of this variant in disease. Therefore, it has been classified as a Variant of Uncertain Significance. Algorithms developed to predict the effect of missense changes on protein structure and function are either unavailable or do not agree on the potential impact of this missense change (SIFT: "Deleterious"; PolyPhen-2: "Benign"; Align-GVGD: "Class C0"). ClinVar contains an entry for this variant (Variation ID: 1375853). This variant has not been reported in the literature in individuals affected with MAG-related conditions. This variant is not present in population databases (gnomAD no frequency). This sequence change replaces alanine, which is neutral and non-polar, with threonine, which is neutral and polar, at codon 424 of the MAG protein (p.Ala424Thr).